The following is an entry in ClinVar:

NM_053013.4(ENO3):c.866T>C (p.Val289Ala)

Gene: ENO3 (enolase 3; plus strand). Cytogenetic location: 17p13.2.
Variant type: single nucleotide variant.
Coding change: c.866T>C on transcript NM_053013.4 (MANE Select); coding-DNA position 866, T replaced by C.
Protein change: p.Val289Ala; replaces valine 289 with alanine.
Molecular consequence: missense variant.
Genome position (GRCh38, 1-based): chr17:4,955,942, T>C. VCF-style: chr17-4955942-T-C. GRCh37 (hg19) VCF-style: chr17-4859237-T-C.
Other names: c.737T>C, p.Val246Ala (NM_001193503.2); c.866T>C, p.Val289Ala (NM_001374523.1, NM_001976.5); c.893T>C, p.Val298Ala (NM_001374524.1); short protein forms V246A, V289A, V298A.
Identifiers: ClinVar variation 1501205 (VCV001501205.4), dbSNP rs780704553, ClinGen allele CA8316489.
Genomic context (GRCh38, chr17:4,955,942, plus strand): 5'-CCCTGTCTCTGCCCTGTCTCTGCTCTGTCTCTGCCCTGTCTCTGCTCCAAACCCCACCAG[T>C]GGTCTCCATCGAAGACCCCTTTGACCAGGATGACTGGGCCACTTGGACCTCCTTCCTCTC-3'
Protein context (NP_443739.3, residues 279-299): LYKSFIKNYP[Val289Ala]VSIEDPFDQD

ClinVar aggregate classification (germline): Uncertain significance (1 of 4 stars; one submission).

Conditions:
Glycogen storage disease due to muscle beta-enolase deficiency (GSD13). Also called: ENOLASE 3 DEFICIENCY; ENOLASE-BETA DEFICIENCY; GSD XIII; Glycogen Storage Disease Type XIII. Identifiers: Orphanet 99849, MedGen C2752027, MONDO:0013046, OMIM 612932.

Allele frequency attached by ClinVar (database versions not stated): TOPMed below 0.00001; ExAC 0.00001; gnomAD exomes 0.00001.
gnomAD v4.1: 6 of 1,613,370 alleles (0.00037%); highest among the groups gnomAD compares: Non-Finnish European, 0.00042%; no homozygotes.

Submission:

Labcorp Genetics (formerly Invitae), Labcorp
Classification: Uncertain significance for Glycogen storage disease due to muscle beta-enolase deficiency. Last evaluated: 2021-10-05. Review status: criteria provided, single submitter. Criteria: Invitae Variant Classification Sherloc (09022015). Collection method: clinical testing. Allele origin: germline.
Comment: In summary, the available evidence is currently insufficient to determine the role of this variant in disease. Therefore, it has been classified as a Variant of Uncertain Significance. Algorithms developed to predict the effect of missense changes on protein structure and function are either unavailable or do not agree on the potential impact of this missense change (SIFT: "Deleterious"; PolyPhen-2: "Probably Damaging"; Align-GVGD: "Class C0"). This variant has not been reported in the literature in individuals affected with ENO3-related conditions. This variant is present in population databases (rs780704553, ExAC 0.001%). This sequence change replaces valine with alanine at codon 289 of the ENO3 protein (p.Val289Ala). The valine residue is moderately conserved and there is a small physicochemical difference between valine and alanine.